The following is an entry in ClinVar:

NM_001395656.1(ROBO2):c.4307C>T (p.Thr1436Ile)

Gene: ROBO2 (roundabout guidance receptor 2; plus strand). Cytogenetic location: 3p12.3.
Variant type: single nucleotide variant.
Coding change: c.4307C>T on transcript NM_001395656.1 (MANE Select); coding-DNA position 4307, C replaced by T.
Protein change: p.Thr1436Ile; replaces threonine 1436 with isoleucine.
Molecular consequence: missense variant.
Genome position (GRCh38, 1-based): chr3:77,644,791, C>T. VCF-style: chr3-77644791-C-T. GRCh37 (hg19) VCF-style: chr3-77693942-C-T.
Other names: c.4070C>T, p.Thr1357Ile (NM_001128929.3); c.4034C>T, p.Thr1345Ile (NM_001290039.2); c.4217C>T, p.Thr1406Ile (NM_001290040.2, NM_001395657.1); c.2243C>T, p.Thr748Ile (NM_001290065.2); c.4355C>T, p.Thr1452Ile (NM_001378190.1); c.4481C>T, p.Thr1494Ile (NM_001378191.1); c.4376C>T, p.Thr1459Ile (NM_001378192.1); c.4295C>T, p.Thr1432Ile (NM_001378193.1); and 11 more; short protein forms T1303I, T1341I, T1342I, T1345I, T1357I, T1361I, T1364I, T1368I.
Identifiers: ClinVar variation 2635563 (VCV002635563.3), dbSNP rs758463590, ClinGen allele CA2497827.

ClinVar aggregate classification (germline): Uncertain significance (0 of 4 stars; one submission).

Conditions:
ROBO2-related disorder. Also called: ROBO2-related condition.

Allele frequency attached by ClinVar (database versions not stated): ExAC 0.00001.
gnomAD v4.1: 13 of 1,614,074 alleles (0.00081%); highest among the groups gnomAD compares: East Asian, 0.0022%; no homozygotes.

Submission:

PreventionGenetics, part of Exact Sciences
Classification: Uncertain significance for ROBO2-related condition. Last evaluated: 2024-01-13. Review status: no assertion criteria provided. Collection method: clinical testing. Allele origin: germline.
Comment: The ROBO2 c.4022C>T variant is predicted to result in the amino acid substitution p.Thr1341Ile. To our knowledge, this variant has not been reported in the literature. This variant is reported in 0.0056% of alleles in individuals of East Asian descent in gnomAD. At this time, the clinical significance of this variant is uncertain due to the absence of conclusive functional and genetic evidence.